The following is an entry in ClinVar:

NM_002878.4(RAD51D):c.609G>C (p.Val203=)

Genes: RAD51L3-RFFL (RAD51L3-RFFL readthrough; minus strand), RAD51D (RAD51 paralog D; minus strand). Cytogenetic location: 17q12.
Variant type: single nucleotide variant.
Coding change: c.609G>C on transcript NM_002878.4 (MANE Select); coding-DNA position 609, G replaced by C.
Protein change: p.Val203=; no amino-acid change (valine 203 retained).
Molecular consequence: synonymous variant. On other transcripts: non-coding transcript variant (3).
Genome position (GRCh38, 1-based): chr17:35,103,512, C>G on the plus strand (G>C on the coding strand, the complement: RAD51D is on the minus strand). VCF-style: chr17-35103512-C-G. GRCh37 (hg19) VCF-style: chr17-33430531-C-G.
Other names: c.669G>C, p.Val223= (NM_001142571.2); c.273G>C, p.Val91= (NM_133629.3).
Identifiers: ClinVar variation 1088174 (VCV001088174.8), dbSNP rs876660256, ClinGen allele CA499730631.

ClinVar aggregate classification (germline): Benign/Likely benign. Review status: criteria provided, multiple submitters, no conflicts (2 of 4 stars). 2 submissions from 2 submitters: Benign (1); Likely benign (1). Last evaluated 2025-10-25.

Conditions:
Breast-ovarian cancer, familial, susceptibility to, 4. Identifiers: Orphanet 145, MedGen C3280345, MONDO:0013669, OMIM 614291.

Allele frequency attached by ClinVar (database versions not stated): gnomAD exomes below 0.00001.
gnomAD v4.1: 5 of 1,614,220 alleles (0.00031%); highest among the groups gnomAD compares: Non-Finnish European, 0.00042%; no homozygotes.

Submissions (2):

Labcorp Genetics (formerly Invitae), Labcorp
Classification: Likely benign for Breast-ovarian cancer, familial, susceptibility to, 4. Last evaluated: 2025-10-25. Review status: criteria provided, single submitter. Criteria: Invitae Variant Classification Sherloc (09022015). Collection method: clinical testing. Allele origin: germline.

Myriad Genetics, Inc.
Classification: Benign for Breast-ovarian cancer, familial, susceptibility to, 4. Last evaluated: 2025-02-24. Review status: criteria provided, single submitter. Criteria: Myriad Autosomal Dominant, Autosomal Recessive and X-Linked Classification Criteria (2023). Collection method: clinical testing. Allele origin: unknown.
Comment: This variant is considered benign. This variant is a silent/synonymous amino acid change and it is not expected to impact splicing.